The following is an entry in ClinVar:

ClinVar aggregate classification (germline): Uncertain significance (1 of 4 stars; one submission).

Allele frequency attached by ClinVar (database versions not stated): ExAC 0.00001; TOPMed 0.00001.
gnomAD v4.1: 1 of 1,552,894 alleles (0.000064%); highest among the groups gnomAD compares: East Asian, 0.0023%; no homozygotes.

Submission:

Labcorp Genetics (formerly Invitae), Labcorp
Classification: Uncertain significance. Last evaluated: 2022-12-07. Review status: criteria provided, single submitter. Criteria: Invitae Variant Classification Sherloc (09022015). Collection method: clinical testing. Allele origin: germline.
Comment: This sequence change falls in intron 1 of the POLG2 gene. It does not directly change the encoded amino acid sequence of the POLG2 protein. It affects a nucleotide within the consensus splice site. In summary, the available evidence is currently insufficient to determine the role of this variant in disease. Therefore, it has been classified as a Variant of Uncertain Significance. Variants that disrupt the consensus splice site are a relatively common cause of aberrant splicing (PMID: 17576681, 9536098). Algorithms developed to predict the effect of sequence changes on RNA splicing suggest that this variant is not likely to affect RNA splicing. This variant has not been reported in the literature in individuals affected with POLG2-related conditions. This variant is present in population databases (rs781787879, gnomAD 0.02%).

Literature cited by the submitters: PubMed 17576681; PubMed 9536098.

NM_007215.4(POLG2):c.562+6C>G

Genes: MILR1 (mast cell immunoglobulin like receptor 1; plus strand), POLG2 (DNA polymerase gamma 2, accessory subunit; minus strand). Cytogenetic location: 17q23.3.
Variant type: single nucleotide variant.
Coding change: c.562+6C>G on transcript NM_007215.4 (MANE Select); 6 bases into the intron after coding-DNA position 562, C replaced by G.
Molecular consequence: intron variant.
Genome position (GRCh38, 1-based): chr17:64,496,401, G>C on the plus strand (C>G on the coding strand, the complement: POLG2 is on the minus strand). VCF-style: chr17-64496401-G-C. GRCh37 (hg19) VCF-style: chr17-62492519-G-C.
Identifiers: ClinVar variation 2133782 (VCV002133782.4), dbSNP rs781787879, ClinGen allele CA8713002.